The following is an entry in ClinVar:

NM_175634.3(RUNX1T1):c.1473C>T (p.Ala491=)

Gene: RUNX1T1 (RUNX1 partner transcriptional co-repressor 1; minus strand). Cytogenetic location: 8q21.3.
Variant type: single nucleotide variant.
Coding change: c.1473C>T on transcript NM_175634.3 (MANE Select); coding-DNA position 1473, C replaced by T.
Protein change: p.Ala491=; no amino-acid change (alanine 491 retained).
Molecular consequence: synonymous variant.
Genome position (GRCh38, 1-based): chr8:91,970,724, G>A on the plus strand (C>T on the coding strand, the complement: RUNX1T1 is on the minus strand). VCF-style: chr8-91970724-G-A. GRCh37 (hg19) VCF-style: chr8-92982952-G-A.
Other names: c.1392C>T, p.Ala464= (NM_001198625.2, NM_001198632.2, NM_004349.4); c.1473C>T, p.Ala491= (NM_001198626.2, NM_001198627.2, NM_001198628.2 and 3 more transcripts); c.1413C>T, p.Ala471= (NM_001198633.2); c.1506C>T, p.Ala502= (NM_001198634.2); c.1650C>T, p.Ala550= (NM_001198679.3); c.1557C>T, p.Ala519= (NM_001395209.1); c.1362C>T, p.Ala454= (NM_175635.3, NM_175636.2).
Identifiers: ClinVar variation 3041693 (VCV003041693.2), dbSNP rs187239022, ClinGen allele CA4805838.

ClinVar aggregate classification (germline): Likely benign (0 of 4 stars; one submission).

Conditions:
RUNX1T1-related disorder. Also called: RUNX1T1-related condition.

Allele frequency attached by ClinVar (database versions not stated): 1000 Genomes Project 0.00040; ESP Exome Variant Server 0.00046; gnomAD 0.00059; 1000 Genomes Project 30x 0.00062; ExAC 0.00066; TOPMed 0.00072.
gnomAD v4.1: 1,386 of 1,613,642 alleles (0.086%); highest among the groups gnomAD compares: Non-Finnish European, 0.11%; no homozygotes.

Submission:

PreventionGenetics, part of Exact Sciences
Classification: Likely benign for RUNX1T1-related condition. Last evaluated: 2019-04-08. Review status: no assertion criteria provided. Collection method: clinical testing. Allele origin: germline.
Comment: This variant is classified as likely benign based on ACMG/AMP sequence variant interpretation guidelines (Richards et al. 2015 PMID: 25741868, with internal and published modifications).